The following is an entry in ClinVar:

NM_001375834.1(WIPF1):c.1100C>T (p.Pro367Leu)

Gene: WIPF1 (WAS/WASL interacting protein family member 1; minus strand). Cytogenetic location: 2q31.1.
Variant type: single nucleotide variant.
Coding change: c.1100C>T on transcript NM_001375834.1 (MANE Select); coding-DNA position 1100, C replaced by T.
Protein change: p.Pro367Leu; replaces proline 367 with leucine.
Molecular consequence: missense variant.
Genome position (GRCh38, 1-based): chr2:174,571,705, G>A on the plus strand (C>T on the coding strand, the complement: WIPF1 is on the minus strand). VCF-style: chr2-174571705-G-A. GRCh37 (hg19) VCF-style: chr2-175436433-G-A.
Other names: c.1100C>T, p.Pro367Leu (NM_001077269.1, NM_001375832.1, NM_001375833.1 and 5 more transcripts); c.722C>T, p.Pro241Leu (NM_001375839.1); short protein forms P367L, P241L.
Identifiers: ClinVar variation 1038152 (VCV001038152.7), dbSNP rs1684847875, ClinGen allele CA349339857.

ClinVar aggregate classification (germline): Uncertain significance (1 of 4 stars; one submission).

Conditions:
Wiskott-Aldrich syndrome 2 (WAS2). Also called: WIPF1 DEFICIENCY. Identifiers: Orphanet 906, MedGen C3281001, MONDO:0013779, OMIM 614493.

gnomAD v4.1: 2 of 1,614,178 alleles (0.00012%); highest among the groups gnomAD compares: African/African-American, 0.0013%; no homozygotes.

Submission:

Labcorp Genetics (formerly Invitae), Labcorp
Classification: Uncertain significance for Wiskott-Aldrich syndrome 2. Last evaluated: 2020-07-26. Review status: criteria provided, single submitter. Criteria: Invitae Variant Classification Sherloc (09022015). Collection method: clinical testing. Allele origin: germline.
Comment: In summary, the available evidence is currently insufficient to determine the role of this variant in disease. Therefore, it has been classified as a Variant of Uncertain Significance. Algorithms developed to predict the effect of missense changes on protein structure and function are either unavailable or do not agree on the potential impact of this missense change (SIFT: "Not Available"; PolyPhen-2: "Probably Damaging"; Align-GVGD: "Not Available"). This variant has not been reported in the literature in individuals with WIPF1-related conditions. This variant is not present in population databases (ExAC no frequency). This sequence change replaces proline with leucine at codon 367 of the WIPF1 protein (p.Pro367Leu). The proline residue is highly conserved and there is a moderate physicochemical difference between proline and leucine.